The following is an entry in ClinVar:

ClinVar aggregate classification (germline): Likely benign. Review status: criteria provided, multiple submitters, no conflicts (2 of 4 stars). 4 submissions from 4 submitters: Likely benign (4). Last evaluated 2025-12-26.

Conditions:
TRIOBP-related disorder. Also called: TRIOBP-related condition.

Allele frequency attached by ClinVar (database versions not stated): gnomAD exomes 0.00025; ExAC 0.00033; 1000 Genomes Project 0.00080; gnomAD 0.00082 and 0.00094; ESP Exome Variant Server 0.00157.
gnomAD v4.1: 280 of 1,495,578 alleles (0.019%); highest among the groups gnomAD compares: African/African-American, 0.37%; 2 homozygotes.

Submissions (4):

Labcorp Genetics (formerly Invitae), Labcorp
Classification: Likely benign. Last evaluated: 2025-12-26. Review status: criteria provided, single submitter. Criteria: Invitae Variant Classification Sherloc (09022015). Collection method: clinical testing. Allele origin: germline.

PreventionGenetics, part of Exact Sciences
Classification: Likely benign for TRIOBP-related condition. Last evaluated: 2024-12-27. Review status: criteria provided, single submitter. Criteria: ACMG Guidelines, 2015. Collection method: clinical testing. Allele origin: germline.
Comment: This variant is classified as likely benign based on ACMG/AMP sequence variant interpretation guidelines (Richards et al. 2015 PMID: 25741868, with internal and published modifications).

GeneDx
Classification: Likely benign. Last evaluated: 2020-05-18. Review status: criteria provided, single submitter. Criteria: GeneDx Variant Classification Process June 2021. Collection method: clinical testing. Allele origin: germline. Affected: yes.

Breakthrough Genomics
Classification: Likely benign. Review status: criteria provided, single submitter. Criteria: ACMG Guidelines, 2015. Collection method: not provided. Allele origin: germline. Inheritance: Autosomal recessive inheritance. Affected: yes.

NM_001039141.3(TRIOBP):c.1850A>G (p.Asn617Ser)

Gene: TRIOBP (TRIO and F-actin binding protein; plus strand). Cytogenetic location: 22q13.1.
Variant type: single nucleotide variant.
Coding change: c.1850A>G on transcript NM_001039141.3 (MANE Select); coding-DNA position 1850, A replaced by G.
Protein change: p.Asn617Ser; replaces asparagine 617 with serine.
Molecular consequence: missense variant.
Genome position (GRCh38, 1-based): chr22:37,724,406, A>G. VCF-style: chr22-37724406-A-G. GRCh37 (hg19) VCF-style: chr22-38120413-A-G.
Other names: short protein forms N617S.
Identifiers: ClinVar variation 1220141 (VCV001220141.13), dbSNP rs202216652, ClinGen allele CA10223707.